The following is an entry in ClinVar:

NM_080680.3(COL11A2):c.4709C>G (p.Thr1570Ser)

Gene: COL11A2 (collagen type XI alpha 2 chain; minus strand). Cytogenetic location: 6p21.32.
Variant type: single nucleotide variant.
Coding change: c.4709C>G on transcript NM_080680.3 (MANE Select); coding-DNA position 4709, C replaced by G.
Protein change: p.Thr1570Ser; replaces threonine 1570 with serine.
Molecular consequence: missense variant.
Genome position (GRCh38, 1-based): chr6:33,165,590, G>C on the plus strand (C>G on the coding strand, the complement: COL11A2 is on the minus strand). VCF-style: chr6-33165590-G-C. GRCh37 (hg19) VCF-style: chr6-33133367-G-C.
Other names: c.4388C>G, p.Thr1463Ser (NM_080679.3); c.4451C>G, p.Thr1484Ser (NM_080681.3); short protein forms T1570S, T1484S, T1463S.
Identifiers: ClinVar variation 1978549 (VCV001978549.4), dbSNP rs2150516466, ClinGen allele CA363618277.

ClinVar aggregate classification (germline): Uncertain significance (1 of 4 stars; one submission).

Submission:

Labcorp Genetics (formerly Invitae), Labcorp
Classification: Uncertain significance. Last evaluated: 2024-12-21. Review status: criteria provided, single submitter. Criteria: Invitae Variant Classification Sherloc (09022015). Collection method: clinical testing. Allele origin: germline.
Comment: This sequence change replaces threonine, which is neutral and polar, with serine, which is neutral and polar, at codon 1570 of the COL11A2 protein (p.Thr1570Ser). This variant is not present in population databases (gnomAD no frequency). This variant has not been reported in the literature in individuals affected with COL11A2-related conditions. ClinVar contains an entry for this variant (Variation ID: 1978549). Invitae Evidence Modeling of protein sequence and biophysical properties (such as structural, functional, and spatial information, amino acid conservation, physicochemical variation, residue mobility, and thermodynamic stability) indicates that this missense variant is not expected to disrupt COL11A2 protein function with a negative predictive value of 95%. In summary, the available evidence is currently insufficient to determine the role of this variant in disease. Therefore, it has been classified as a Variant of Uncertain Significance.